The following is an entry in ClinVar:

NM_000238.4(KCNH2):c.52A>G (p.Ile18Val)

Gene: KCNH2 (potassium voltage-gated channel subfamily H member 2; minus strand). Cytogenetic location: 7q36.1.
Variant type: single nucleotide variant.
Coding change: c.52A>G on transcript NM_000238.4 (MANE Select); coding-DNA position 52, A replaced by G.
Protein change: p.Ile18Val; replaces isoleucine 18 with valine.
Molecular consequence: missense variant. On other transcripts: non-coding transcript variant (1).
Genome position (GRCh38, 1-based): chr7:150,977,862, T>C on the plus strand (A>G on the coding strand, the complement: KCNH2 is on the minus strand). VCF-style: chr7-150977862-T-C. GRCh37 (hg19) VCF-style: chr7-150674950-T-C.
Other names: c.52A>G, p.Ile18Val (NM_172056.3); short protein forms I18V.
Identifiers: ClinVar variation 4888143 (VCV004888143.1).
Genomic context (GRCh38, chr7:150,977,862, plus strand): 5'-GAGCCCCCTCCCCGCTCAGCCCCCTCCCCCACTCACTCTGGCCCTCAAACTTGCGGATGA[T>C]GGTGTCCAGGAAGGTGTTCTGCGGCGCGACGTGGCCCCTCCGCACCGGCATCCTGAGCCC-3'
Protein context (NP_000229.1, residues 8-28): VAPQNTFLDT[Ile18Val]IRKFEGQSRK

ClinVar aggregate classification (germline): Uncertain significance (1 of 4 stars; one submission).

gnomAD v4.1: 1 of 1,567,274 alleles (0.000064%); no homozygotes.

Submission:

GeneDx
Classification: Uncertain significance. Last evaluated: 2026-03-02. Review status: criteria provided, single submitter. Criteria: GeneDx Variant Classification Process June 2021. Collection method: clinical testing. Allele origin: germline.
Comment: Not observed at significant frequency in large population cohorts (gnomAD); In silico analysis suggests that this missense variant does not alter protein structure/function; Has not been previously published as pathogenic or benign to our knowledge